The following is an entry in ClinVar:

ClinVar aggregate classification (germline): Uncertain significance (1 of 4 stars; one submission).

Conditions:
Pontocerebellar hypoplasia type 9. Identifiers: Orphanet 369920, MedGen C4014354, MONDO:0014351, OMIM 615809.
Hereditary spastic paraplegia 63. Also called: Spastic paraplegia 63, autosomal recessive. Identifiers: Orphanet 401805, MedGen C3810295, MONDO:0014305, OMIM 615686.

Allele frequency attached by ClinVar (database versions not stated): ExAC 0.00007; gnomAD 0.00013 and 0.00014; TOPMed 0.00014; ESP Exome Variant Server 0.00015; 1000 Genomes Project 30x 0.00016; 1000 Genomes Project 0.00020.

Submission:

Labcorp Genetics (formerly Invitae), Labcorp
Classification: Uncertain significance for Pontocerebellar hypoplasia type 9; Hereditary spastic paraplegia 63. Last evaluated: 2024-12-02. Review status: criteria provided, single submitter. Criteria: Invitae Variant Classification Sherloc (09022015). Collection method: clinical testing. Allele origin: germline.
Comment: This sequence change replaces arginine, which is basic and polar, with tryptophan, which is neutral and slightly polar, at codon 457 of the AMPD2 protein (p.Arg457Trp). This variant is present in population databases (rs373128067, gnomAD 0.07%). This variant has not been reported in the literature in individuals affected with AMPD2-related conditions. ClinVar contains an entry for this variant (Variation ID: 574248). An algorithm developed to predict the effect of missense changes on protein structure and function (PolyPhen-2) suggests that this variant is likely to be disruptive. In summary, the available evidence is currently insufficient to determine the role of this variant in disease. Therefore, it has been classified as a Variant of Uncertain Significance.

NM_001368809.2(AMPD2):c.1207C>T (p.Arg403Trp)

Genes: AMPD2 (adenosine monophosphate deaminase 2; plus strand), LOC126805822 (BRD4-independent group 4 enhancer GRCh37_chr1:110170748-110171947; plus strand). Cytogenetic location: 1p13.3.
Variant type: single nucleotide variant.
Coding change: c.1207C>T on transcript NM_001368809.2 (MANE Select); coding-DNA position 1207, C replaced by T.
Protein change: p.Arg403Trp; replaces arginine 403 with tryptophan.
Molecular consequence: missense variant.
Genome position (GRCh38, 1-based): chr1:109,628,209, C>T. VCF-style: chr1-109628209-C-T. GRCh37 (hg19) VCF-style: chr1-110170831-C-T.
Other names: c.1369C>T (NM_001257360.1); c.1015C>T, p.Arg339Trp (NM_001257361.2); c.1144C>T, p.Arg382Trp (NM_001308170.1); c.1207C>T, p.Arg403Trp (NM_004037.9); c.1126C>T, p.Arg376Trp (NM_139156.4); short protein forms R339W, R376W, R382W, R403W.
Identifiers: ClinVar variation 574248 (VCV000574248.6), dbSNP rs373128067, ClinGen allele CA993044.
Genomic context (GRCh38, chr1:109,628,209, plus strand): 5'-GCAATGAAGCGGCACCTGGAGGAGATCGTGCACGTGGAGCAGGGCCGTGAACAGACGCTG[C>T]GGGAGGTCTTTGAGAGCATGAATCTCACGGCCTACGACCTGAGTGTGGACACGCTGGATG-3'
Protein context (NP_001355738.1, residues 393-413): HVEQGREQTL[Arg403Trp]EVFESMNLTA